The following is an entry in ClinVar:

NM_000089.4(COL1A2):c.2015A>G (p.Asp672Gly)

Gene: COL1A2 (collagen type I alpha 2 chain; plus strand). Cytogenetic location: 7q21.3.
Variant type: single nucleotide variant.
Coding change: c.2015A>G on transcript NM_000089.4 (MANE Select); coding-DNA position 2015, A replaced by G.
Protein change: p.Asp672Gly; replaces aspartic acid 672 with glycine.
Molecular consequence: missense variant.
Genome position (GRCh38, 1-based): chr7:94,418,542, A>G. VCF-style: chr7-94418542-A-G. GRCh37 (hg19) VCF-style: chr7-94047854-A-G.
Other names: short protein forms D672G.
Identifiers: ClinVar variation 3758893 (VCV003758893.2).
Genomic context (GRCh38, chr7:94,418,542, plus strand): 5'-TTGCTTTATACTTTCAGGGTGAACCTGGTCTCAGAGGTGAAATTGGTAACCCTGGCAGAG[A>G]TGGTGCTCGTGTGAGTAGAATTTTGTTTGTATGTTTCTTCGTACTTGGATTTTTTTTTTA-3'
Protein context (NP_000080.2, residues 662-682): LRGEIGNPGR[Asp672Gly]GARGAPGAVG

ClinVar aggregate classification (germline): Uncertain significance (1 of 4 stars; one submission).

Conditions:
Ehlers-Danlos syndrome, classic type, 1 (EDSCL1). Also called: EHLERS-DANLOS SYNDROME, GRAVIS TYPE; EHLERS-DANLOS SYNDROME, SEVERE CLASSIC TYPE; Ehlers-Danlos syndrome, type 1; Ehlers-Danlos Syndrome, Classic Type, COL5A1-Related; EDS I. Identifiers: MedGen C0268335, MONDO:0019567, OMIM 130000.
Osteogenesis imperfecta type I (OI1). Also called: OI, TYPE I; OSTEOGENESIS IMPERFECTA TARDA; OSTEOGENESIS IMPERFECTA WITH BLUE SCLERAE; Osteogenesis imperfecta type 1; Lobstein's Disease; Lobstein disease. Identifiers: Orphanet 216796, Orphanet 666, MedGen C0023931, MONDO:0008146, OMIM 166200. Disease mechanism: loss of function.

gnomAD v4.1: 1 of 1,613,770 alleles (0.000062%); highest among the groups gnomAD compares: Non-Finnish European, 0.000085%; no homozygotes.

Submission:

Labcorp Genetics (formerly Invitae), Labcorp
Classification: Uncertain significance for Osteogenesis imperfecta type I; Ehlers-Danlos syndrome, classic type, 1. Last evaluated: 2024-10-17. Review status: criteria provided, single submitter. Criteria: Invitae Variant Classification Sherloc (09022015). Collection method: clinical testing. Allele origin: germline.
Comment: This sequence change replaces aspartic acid, which is acidic and polar, with glycine, which is neutral and non-polar, at codon 672 of the COL1A2 protein (p.Asp672Gly). This variant is not present in population databases (gnomAD no frequency). This variant has not been reported in the literature in individuals affected with COL1A2-related conditions. Invitae Evidence Modeling of protein sequence and biophysical properties (such as structural, functional, and spatial information, amino acid conservation, physicochemical variation, residue mobility, and thermodynamic stability) indicates that this missense variant is expected to disrupt COL1A2 protein function with a positive predictive value of 95%. In summary, the available evidence is currently insufficient to determine the role of this variant in disease. Therefore, it has been classified as a Variant of Uncertain Significance.